The following is an entry in ClinVar:

NM_018669.6(WDR4):c.5C>T (p.Ala2Val)

Gene: WDR4 (WDR4 tRNA N7-guanosine methyltransferase non-catalytic subunit; minus strand). Cytogenetic location: 21q22.3.
Variant type: single nucleotide variant.
Coding change: c.5C>T on transcript NM_018669.6 (MANE Select); coding-DNA position 5, C replaced by T.
Protein change: p.Ala2Val; replaces alanine 2 with valine.
Molecular consequence: missense variant. On other transcripts: intron variant (1), 5 prime UTR variant (2).
Genome position (GRCh38, 1-based): chr21:42,879,491, G>A on the plus strand (C>T on the coding strand, the complement: WDR4 is on the minus strand). VCF-style: chr21-42879491-G-A. GRCh37 (hg19) VCF-style: chr21-44299601-G-A.
Other names: c.-298+22C>T (NM_001260476.2); c.5C>T, p.Ala2Val (NM_033661.5, NM_001260474.2); c.-382C>T (NM_001260475.2); c.-797C>T (NM_001260477.2); c.5C>T (NM_018669.4); short protein forms A2V.
Identifiers: ClinVar variation 3676276 (VCV003676276.3).
Genomic context (GRCh38, chr21:42,879,491, plus strand): 5'-AATCGGCTGCCGCCCCGCACCACCAACGTCTGCCCGCACAACGCCAGTCCCACAGAGCCC[G>A]CCATGTACCCGCCCGCCTCACCGCCATACACATGTGCCAGCCCAGAGCCTCTTCCTGTCC-3'
Protein context (NP_061139.2, residues 1-12): M[Ala2Val]GSVGLALCGQ

ClinVar aggregate classification (germline): Uncertain significance. Review status: criteria provided, multiple submitters, no conflicts (2 of 4 stars). 2 submissions from 2 submitters: Uncertain significance (2). Last evaluated 2025-04-28.

Conditions:
Inborn genetic diseases. Identifiers: MedGen C0950123, MeSH D030342.

gnomAD v4.1: 4 of 1,612,994 alleles (0.00025%); highest among the groups gnomAD compares: African/African-American, 0.0027%; no homozygotes.

Submissions (2):

Labcorp Genetics (formerly Invitae), Labcorp
Classification: Uncertain significance. Last evaluated: 2025-04-28. Review status: criteria provided, single submitter. Criteria: Invitae Variant Classification Sherloc (09022015). Collection method: clinical testing. Allele origin: germline.
Comment: This sequence change replaces alanine, which is neutral and non-polar, with valine, which is neutral and non-polar, at codon 2 of the WDR4 protein (p.Ala2Val). This variant is present in population databases (rs749105000, gnomAD 0.01%). This variant has not been reported in the literature in individuals affected with WDR4-related conditions. ClinVar contains an entry for this variant (Variation ID: 3676276). An algorithm developed to predict the effect of missense changes on protein structure and function (PolyPhen-2) suggests that this variant is likely to be disruptive. In summary, the available evidence is currently insufficient to determine the role of this variant in disease. Therefore, it has been classified as a Variant of Uncertain Significance.

Ambry Genetics
Classification: Uncertain significance for Inborn genetic diseases. Last evaluated: 2025-03-26. Review status: criteria provided, single submitter. Criteria: Ambry Variant Classification Scheme 2023. Collection method: clinical testing. Allele origin: germline.